The following is an entry in ClinVar:

ClinVar aggregate classification (germline): Uncertain significance (1 of 4 stars; one submission).

Conditions:
Long QT syndrome (LQTS). Identifiers: MedGen C0023976, MeSH D008133, MONDO:0002442. Disease mechanism: loss of function. Inheritance: Various modes of inheritance.

Allele frequency attached by ClinVar (database versions not stated): gnomAD exomes below 0.00001.
gnomAD v4.1: 2 of 1,614,040 alleles (0.00012%); highest among the groups gnomAD compares: Non-Finnish European, 0.00017%; no homozygotes.

Submission:

Labcorp Genetics (formerly Invitae), Labcorp
Classification: Uncertain significance for Long QT syndrome. Last evaluated: 2023-04-10. Review status: criteria provided, single submitter. Criteria: Invitae Variant Classification Sherloc (09022015). Collection method: clinical testing. Allele origin: germline.
Comment: In summary, the available evidence is currently insufficient to determine the role of this variant in disease. Therefore, it has been classified as a Variant of Uncertain Significance. An algorithm developed to predict the effect of missense changes on protein structure and function (PolyPhen-2) suggests that this variant is likely to be tolerated. This variant has not been reported in the literature in individuals affected with ANK2-related conditions. This variant is not present in population databases (gnomAD no frequency). This sequence change replaces glycine, which is neutral and non-polar, with arginine, which is basic and polar, at codon 2824 of the ANK2 protein (p.Gly2824Arg).

NM_001148.6(ANK2):c.8470G>A (p.Gly2824Arg)

Gene: ANK2 (ankyrin 2; plus strand). Cytogenetic location: 4q26.
Variant type: single nucleotide variant.
Coding change: c.8470G>A on transcript NM_001148.6 (MANE Select); coding-DNA position 8470, G replaced by A.
Protein change: p.Gly2824Arg; replaces glycine 2824 with arginine.
Molecular consequence: missense variant. On other transcripts: intron variant (68).
Genome position (GRCh38, 1-based): chr4:113,357,088, G>A. VCF-style: chr4-113357088-G-A. GRCh37 (hg19) VCF-style: chr4-114278244-G-A.
Other names: c.8236G>A, p.Gly2746Arg (NM_001386142.1); c.4870G>A, p.Gly1624Arg (NM_001386166.1); c.8611G>A, p.Gly2871Arg (NM_001386174.1); c.8587G>A, p.Gly2863Arg (NM_001386175.1); c.4412-3735G>A (NM_001386186.2, NM_001386148.2); c.4214-3735G>A (NM_001354269.3); c.4292-3735G>A (NM_001386187.2); c.4253-3735G>A (NM_001386147.1); and 35 more; short protein forms G1624R, G2824R, G2871R, G2863R, G2746R.
Identifiers: ClinVar variation 2854610 (VCV002854610.3), dbSNP rs2505857712, ClinGen allele CA357934123.